The following is an entry in ClinVar:

ClinVar aggregate classification (germline): Uncertain significance (1 of 4 stars; one submission).

Submission:

Labcorp Genetics (formerly Invitae), Labcorp
Classification: Uncertain significance. Last evaluated: 2025-07-21. Review status: criteria provided, single submitter. Criteria: Invitae Variant Classification Sherloc (09022015). Collection method: clinical testing. Allele origin: germline.
Comment: This sequence change replaces isoleucine, which is neutral and non-polar, with methionine, which is neutral and non-polar, at codon 82 of the TRMT10C protein (p.Ile82Met). This variant is present in population databases (no rsID available, gnomAD 0.0009%). This variant has not been reported in the literature in individuals affected with TRMT10C-related conditions. Invitae Evidence Modeling of protein sequence and biophysical properties (such as structural, functional, and spatial information, amino acid conservation, physicochemical variation, residue mobility, and thermodynamic stability) indicates that this missense variant is not expected to disrupt TRMT10C protein function with a negative predictive value of 80%. In summary, the available evidence is currently insufficient to determine the role of this variant in disease. Therefore, it has been classified as a Variant of Uncertain Significance.

NM_017819.4(TRMT10C):c.246C>G (p.Ile82Met)

Gene: TRMT10C (tRNA methyltransferase 10C, mitochondrial RNase P subunit; plus strand). Cytogenetic location: 3q12.3.
Variant type: single nucleotide variant.
Coding change: c.246C>G on transcript NM_017819.4 (MANE Select); coding-DNA position 246, C replaced by G.
Protein change: p.Ile82Met; replaces isoleucine 82 with methionine.
Molecular consequence: missense variant.
Genome position (GRCh38, 1-based): chr3:101,565,027, C>G. VCF-style: chr3-101565027-C-G. GRCh37 (hg19) VCF-style: chr3-101283871-C-G.
Other names: short protein forms I82M.
Identifiers: ClinVar variation 4805911 (VCV004805911.1).